The following is an entry in ClinVar:

NM_004863.4(SPTLC2):c.31CGC[3] (p.Arg12_Thr13insArg)

Gene: SPTLC2 (serine palmitoyltransferase long chain base subunit 2; minus strand). Cytogenetic location: 14q24.3.
Variant type: Microsatellite.
Coding change: c.31CGC[3] on transcript NM_004863.4 (MANE Select); three copies in a row of the 3-base unit CGC starting at c.31; the reference has two copies in a row; one copy, 3 bases duplicated.
Protein change: p.Arg12_Thr13insArg.
Molecular consequence: inframe insertion.
Genome position (GRCh38, 1-based): chr14:77,616,544-77,616,546, GCG duplicated on the plus strand (CGC on the coding strand, the reverse complement: SPTLC2 is on the minus strand); duplicating any 3 consecutive bases within chr14:77,616,544-77,616,551 gives the same sequence; the position shown is the placement nearest the transcript's 3' end. VCF-style (leftmost placement, unchanged base first): chr14-77616543-T-TGCG. GRCh37 (hg19) VCF-style: chr14-78082886-T-TGCG.
Identifiers: ClinVar variation 2060216 (VCV002060216.4), dbSNP rs756336007, ClinGen allele CA7289526.

ClinVar aggregate classification (germline): Uncertain significance (1 of 4 stars; one submission).

Conditions:
Neuropathy, hereditary sensory and autonomic, type 1C. Also called: HSAN IC; HSN IC. Identifiers: Orphanet 36386, MedGen C3150896, MONDO:0013337, OMIM 613640.

Submission:

Labcorp Genetics (formerly Invitae), Labcorp
Classification: Uncertain significance for Neuropathy, hereditary sensory and autonomic, type 1C. Last evaluated: 2025-04-27. Review status: criteria provided, single submitter. Criteria: Invitae Variant Classification Sherloc (09022015). Collection method: clinical testing. Allele origin: germline.
Comment: This variant, c.34_36dup, results in the insertion of 1 amino acid(s) of the SPTLC2 protein (p.Arg12dup), but otherwise preserves the integrity of the reading frame. This variant is present in population databases (rs756336007, gnomAD 0.08%), and has an allele count higher than expected for a pathogenic variant. This variant has not been reported in the literature in individuals affected with SPTLC2-related conditions. Experimental studies and prediction algorithms are not available or were not evaluated, and the functional significance of this variant is currently unknown. In summary, the available evidence is currently insufficient to determine the role of this variant in disease. Therefore, it has been classified as a Variant of Uncertain Significance.